The following is an entry in ClinVar:

NM_001303256.3(MORC2):c.399G>A (p.Thr133=)

Gene: MORC2 (MORC family CW-type zinc finger 2; minus strand). Cytogenetic location: 22q12.2.
Variant type: single nucleotide variant.
Coding change: c.399G>A on transcript NM_001303256.3 (MANE Select); coding-DNA position 399, G replaced by A.
Protein change: p.Thr133=; no amino-acid change (threonine 133 retained).
Molecular consequence: synonymous variant.
Genome position (GRCh38, 1-based): chr22:30,946,368, C>T on the plus strand (G>A on the coding strand, the complement: MORC2 is on the minus strand). VCF-style: chr22-30946368-C-T. GRCh37 (hg19) VCF-style: chr22-31342355-C-T.
Other names: c.399G>A, p.Thr133= (NM_001303257.2); c.213G>A, p.Thr71= (NM_014941.3).
Identifiers: ClinVar variation 542299 (VCV000542299.20), dbSNP rs141171446, ClinGen allele CA10187269.

ClinVar aggregate classification (germline): Likely benign. Review status: criteria provided, multiple submitters, no conflicts (2 of 4 stars). 2 submissions from 2 submitters: Likely benign (2). Last evaluated 2025-10-21.

Conditions:
Charcot-Marie-Tooth disease axonal type 2Z. Also called: CHARCOT-MARIE-TOOTH DISEASE, AXONAL, AUTOSOMAL DOMINANT, TYPE 2Z; CHARCOT-MARIE-TOOTH NEUROPATHY, TYPE 2Z. Identifiers: Orphanet 466768, MedGen C5569025, MONDO:0014736, OMIM 616688.

Allele frequency attached by ClinVar (database versions not stated): ESP Exome Variant Server 0.00008; TOPMed 0.00008; gnomAD 0.00009; gnomAD exomes 0.00009; ExAC 0.00012; 1000 Genomes Project 30x 0.00016; 1000 Genomes Project 0.00020.
gnomAD v4.1: 113 of 1,609,210 alleles (0.007%); highest among the groups gnomAD compares: Middle Eastern, 0.033%; no homozygotes.

Submissions (2):

Labcorp Genetics (formerly Invitae), Labcorp
Classification: Likely benign for Charcot-Marie-Tooth disease axonal type 2Z. Last evaluated: 2025-10-21. Review status: criteria provided, single submitter. Criteria: Invitae Variant Classification Sherloc (09022015). Collection method: clinical testing. Allele origin: germline.

CeGaT Center for Human Genetics Tuebingen
Classification: Likely benign. Last evaluated: 2025-07-01. Review status: criteria provided, single submitter. Criteria: CeGaT Center For Human Genetics Tuebingen Variant Classification Criteria Version 2. Collection method: clinical testing. Allele origin: germline. Affected: yes. Observed: 2 variant alleles.
Comment: MORC2: BP4, BP7